The following is an entry in ClinVar:

ClinVar aggregate classification (germline): Likely pathogenic (1 of 4 stars; one submission).

Conditions:
Dilated cardiomyopathy 1G (CMD1G). Identifiers: Orphanet 154, MedGen C1858763, MONDO:0011400, OMIM 604145.
Autosomal recessive limb-girdle muscular dystrophy type 2J (LGMDR10). Also called: Limb-girdle muscular dystrophy, type 2J; MUSCULAR DYSTROPHY, LIMB-GIRDLE, AUTOSOMAL RECESSIVE 10. Identifiers: Orphanet 140922, MedGen C1837342, MONDO:0012127, OMIM 608807.

Submission:

Labcorp Genetics (formerly Invitae), Labcorp
Classification: Likely pathogenic for Dilated cardiomyopathy 1G; Autosomal recessive limb-girdle muscular dystrophy type 2J. Last evaluated: 2019-06-23. Review status: criteria provided, single submitter. Criteria: Invitae Variant Classification Sherloc (09022015). Collection method: clinical testing. Allele origin: germline.
Comment: This sequence change results in a premature translational stop signal in the TTN gene (p.Lys22938Leufs*4). While this is not anticipated to result in nonsense mediated decay, it is expected to create a truncated TTN protein. In summary, the currently available evidence indicates that the variant is pathogenic, but additional data are needed to prove that conclusively. Therefore, this variant has been classified as Likely Pathogenic. This variant is located in the A band of TTN (PMID: 25589632). Truncating variants in this region are significantly overrepresented in patients affected with dilated cardiomyopathy (PMID: 25589632). Truncating variants in this region have also been reported in individuals affected with autosomal recessive centronuclear myopathy (PMID: 23975875). This variant has not been reported in the literature in individuals with TTN-related conditions. This variant is not present in population databases (ExAC no frequency).

Literature cited by the submitters: PubMed 25589632; PubMed 23975875.

NM_001267550.2(TTN):c.68807_68810dup (p.Lys22938fs)

Genes: TTN (titin; minus strand), TTN-AS1 (TTN antisense RNA 1; plus strand). Cytogenetic location: 2q31.2.
Variant type: Duplication.
Coding change: c.68807_68810dup on transcript NM_001267550.2 (MANE Select); coding-DNA positions 68807 to 68810, 4 bases duplicated (TTTG; older notation c.68807_68810dupTTTG).
Protein change: p.Lys22938fs; shifts the reading frame from lysine 22938.
Molecular consequence: frameshift variant.
Genome position (GRCh38, 1-based): chr2:178,577,616-178,577,619, CAAA duplicated on the plus strand (TTTG on the coding strand, the reverse complement: TTN is on the minus strand). VCF-style (leftmost placement, unchanged base first): chr2-178577615-G-GCAAA. GRCh37 (hg19) VCF-style: chr2-179442342-G-GCAAA.
Other names: c.63884_63887dup, p.Lys21297fs (NM_001256850.1); c.41612_41615dup, p.Lys13873fs (NM_003319.4); c.61103_61106dup, p.Lys20370fs (NM_133378.4); c.41987_41990dup, p.Lys13998fs (NM_133432.3); c.42188_42191dup, p.Lys14065fs (NM_133437.4); short protein forms K20370fs, K13873fs, K13998fs, K14065fs, K21297fs, K22938fs.
Identifiers: ClinVar variation 950245 (VCV000950245.10), dbSNP rs2046739414, ClinGen allele CA1139657436.